The following is an entry in ClinVar:

NM_004517.4(ILK):c.560G>T (p.Gly187Val)

Genes: ILK (integrin linked kinase; plus strand), TAF10 (TATA-box binding protein associated factor 10; minus strand). Cytogenetic location: 11p15.4.
Variant type: single nucleotide variant.
Coding change: c.560G>T on transcript NM_004517.4 (MANE Select); coding-DNA position 560, G replaced by T.
Protein change: p.Gly187Val; replaces glycine 187 with valine.
Molecular consequence: missense variant. On other transcripts: 3 prime UTR variant (1), intron variant (1).
Genome position (GRCh38, 1-based): chr11:6,609,098, G>T. VCF-style: chr11-6609098-G-T. GRCh37 (hg19) VCF-style: chr11-6630329-G-T.
Other names: c.560G>T, p.Gly187Val (NM_001014794.3, NM_001014795.3); c.158G>T, p.Gly53Val (NM_001278442.2); c.*1824C>A (NM_006284.4); c.435+131G>T (NM_001278441.2); short protein forms G53V, G187V.
Identifiers: ClinVar variation 2605078 (VCV002605078.3), dbSNP rs1406793461, ClinGen allele CA379460617.
Genomic context (GRCh38, chr11:6,609,098, plus strand): 5'-GAAGCTGGGTACCTGACCTGCCCACACTCTTAGGAAATGGAACCCTGAACAAACACTCTG[G>T]CATTGACTTCAAACAGCTTAACTTCCTGACGAAGCTCAACGAGAATCACTCTGGAGAGGT-3'
Protein context (NP_004508.1, residues 177-197): PRNGTLNKHS[Gly187Val]IDFKQLNFLT

ClinVar aggregate classification (germline): Uncertain significance (1 of 4 stars; one submission).

Allele frequency attached by ClinVar (database versions not stated): gnomAD 0.00002; TOPMed 0.00002.
gnomAD v4.1: 4 of 1,614,032 alleles (0.00025%); highest among the groups gnomAD compares: African/African-American, 0.0027%; no homozygotes.

Submission:

Ambry Genetics
Classification: Uncertain significance. Last evaluated: 2025-07-21. Review status: criteria provided, single submitter. Criteria: Ambry Variant Classification Scheme 2023. Collection method: clinical testing. Allele origin: germline.
Comment: The p.G187V variant (also known as c.560G>T), located in coding exon 6 of the ILK gene, results from a G to T substitution at nucleotide position 560. The glycine at codon 187 is replaced by valine, an amino acid with dissimilar properties. This amino acid position is conserved. In addition, this alteration is predicted to be deleterious by in silico analysis. Since supporting evidence is limited at this time, the clinical significance of this alteration remains unclear.